The following is an entry in ClinVar:

ClinVar aggregate classification (germline): Likely benign. Review status: criteria provided, multiple submitters, no conflicts (2 of 4 stars). 2 submissions from 2 submitters: Likely benign (2). Last evaluated 2024-12-01.

Conditions:
Methylcobalamin deficiency type cblE (HMAE). Also called: HOMOCYSTINURIA-MEGALOBLASTIC ANEMIA, cblE TYPE; VITAMIN B12-RESPONSIVE HOMOCYSTINURIA, cblE TYPE; HOMOCYSTINURIA-MEGALOBLASTIC ANEMIA, cblE COMPLEMENTATION TYPE. Identifiers: Orphanet 2169, Orphanet 622, MedGen C1856057, MONDO:0009354, OMIM 236270.

Allele frequency attached by ClinVar (database versions not stated): gnomAD 0.00001; gnomAD exomes 0.00002 and 0.00004; TOPMed 0.00002; ExAC 0.00005.
gnomAD v4.1: 33 of 1,614,232 alleles (0.002%); highest among the groups gnomAD compares: South Asian, 0.027%; no homozygotes.

Submissions (2):

CeGaT Center for Human Genetics Tuebingen
Classification: Likely benign. Last evaluated: 2024-12-01. Review status: criteria provided, single submitter. Criteria: CeGaT Center For Human Genetics Tuebingen Variant Classification Criteria Version 2. Collection method: clinical testing. Allele origin: germline. Affected: yes. Observed: 1 variant allele.
Comment: MTRR: BP4, BP7

Labcorp Genetics (formerly Invitae), Labcorp
Classification: Likely benign for Methylcobalamin deficiency type cblE. Last evaluated: 2024-01-04. Review status: criteria provided, single submitter. Criteria: Invitae Variant Classification Sherloc (09022015). Collection method: clinical testing. Allele origin: germline.

NM_002454.3(MTRR):c.744A>G (p.Glu248=)

Gene: MTRR (5-methyltetrahydrofolate-homocysteine methyltransferase reductase; plus strand). Cytogenetic location: 5p15.31.
Variant type: single nucleotide variant.
Coding change: c.744A>G on transcript NM_002454.3 (MANE Select); coding-DNA position 744, A replaced by G.
Protein change: p.Glu248=; no amino-acid change (glutamic acid 248 retained).
Molecular consequence: synonymous variant. On other transcripts: non-coding transcript variant (14).
Genome position (GRCh38, 1-based): chr5:7,878,286, A>G. VCF-style: chr5-7878286-A-G. GRCh37 (hg19) VCF-style: chr5-7878399-A-G.
Other names: c.744A>G, p.Glu248= (NM_001364440.2, NM_001364441.2, NM_001364442.2 and 1 more transcripts).
Identifiers: ClinVar variation 1101522 (VCV001101522.22), dbSNP rs749341418, ClinGen allele CA3195682.